The following is an entry in ClinVar:

ClinVar aggregate classification (germline): Uncertain significance (1 of 4 stars; one submission).

Conditions:
Joubert syndrome 8 (JBTS8). Identifiers: Orphanet 475, MedGen C2676771, MONDO:0012855, OMIM 612291.

Allele frequency attached by ClinVar (database versions not stated): ExAC 0.00001; gnomAD exomes 0.00001.
gnomAD v4.1: 7 of 1,612,782 alleles (0.00043%); highest among the groups gnomAD compares: South Asian, 0.0077%; no homozygotes.

Submission:

Labcorp Genetics (formerly Invitae), Labcorp
Classification: Uncertain significance for Joubert syndrome 8. Last evaluated: 2022-05-25. Review status: criteria provided, single submitter. Criteria: Invitae Variant Classification Sherloc (09022015). Collection method: clinical testing. Allele origin: germline.
Comment: In summary, the available evidence is currently insufficient to determine the role of this variant in disease. Therefore, it has been classified as a Variant of Uncertain Significance. Algorithms developed to predict the effect of missense changes on protein structure and function are either unavailable or do not agree on the potential impact of this missense change (SIFT: "Tolerated"; PolyPhen-2: "Probably Damaging"; Align-GVGD: "Class C0"). This variant has not been reported in the literature in individuals affected with ARL13B-related conditions. This variant is present in population databases (rs767808094, gnomAD 0.007%). This sequence change replaces glycine, which is neutral and non-polar, with arginine, which is basic and polar, at codon 43 of the ARL13B protein (p.Gly43Arg).

NM_001174150.2(ARL13B):c.127G>C (p.Gly43Arg)

Gene: ARL13B (ARF like GTPase 13B; plus strand). Cytogenetic location: 3q11.1.
Variant type: single nucleotide variant.
Coding change: c.127G>C on transcript NM_001174150.2 (MANE Select); coding-DNA position 127, G replaced by C.
Protein change: p.Gly43Arg; replaces glycine 43 with arginine.
Molecular consequence: missense variant. On other transcripts: 5 prime UTR variant (1), non-coding transcript variant (2), intron variant (2).
Genome position (GRCh38, 1-based): chr3:93,995,941, G>C. VCF-style: chr3-93995941-G-C. GRCh37 (hg19) VCF-style: chr3-93714785-G-C.
Other names: c.-41G>C (NM_001321328.2); c.127G>C, p.Gly43Arg (NM_001410782.1, NM_182896.3); c.-179-7718G>C (NM_001174151.2); c.59+15459G>C (NM_144996.4); short protein forms G43R.
Identifiers: ClinVar variation 1945355 (VCV001945355.4), dbSNP rs767808094, ClinGen allele CA2503766.
Genomic context (GRCh38, chr3:93,995,941, plus strand): 5'-ACTCTTTTGATGGTGGGACTTGATAATGCTGGTAAAACCGCAACAGCAAAGGGAATCCAA[G>C]GAGGTAAGCTGAAAACATTTATGTGCTTTCTGAACTCTATTAAATTATTCTGAATTATTT-3'
Protein context (NP_001167621.1, residues 33-53): GKTATAKGIQ[Gly43Arg]EYPEDVAPTV